The following is an entry in ClinVar:

NM_001211.6(BUB1B):c.1170G>C (p.Glu390Asp)

Gene: BUB1B (BUB1 mitotic checkpoint serine/threonine kinase B; plus strand). Cytogenetic location: 15q15.1.
Variant type: single nucleotide variant.
Coding change: c.1170G>C on transcript NM_001211.6 (MANE Select); coding-DNA position 1170, G replaced by C.
Protein change: p.Glu390Asp; replaces glutamic acid 390 with aspartic acid.
Molecular consequence: missense variant.
Genome position (GRCh38, 1-based): chr15:40,196,656, G>C. VCF-style: chr15-40196656-G-C. GRCh37 (hg19) VCF-style: chr15-40488857-G-C.
Other names: short protein forms E390D.
Identifiers: ClinVar variation 133782 (VCV000133782.17), dbSNP rs1017842, ClinGen allele CA157796.
Genomic context (GRCh38, chr15:40,196,656, plus strand): 5'-GCCTGGAAAGGAAGAAGGAGATCCTCTACAAAGGGTTCAGAGCCATCAGCAAGCGTCTGA[G>C]GAGAAGAAAGAGAAGATGATGTATTGTAAGGAGAAGATTTATGCAGGAGTAGGGGAATTC-3'
Protein context (NP_001202.5, residues 380-400): QRVQSHQQAS[Glu390Asp]EKKEKMMYCK

ClinVar aggregate classification (germline): Benign. Review status: criteria provided, multiple submitters, no conflicts (2 of 4 stars). 8 submissions from 7 submitters: Benign (7). 1 of the submissions does not count toward it. Last evaluated 2026-02-03.

Conditions:
Colorectal cancer. Also called: Colorectal cancer, somatic; Malignant Colorectal Neoplasm. Identifiers: MedGen C0346629, MONDO:0005575, OMIM 114500.
Mosaic variegated aneuploidy syndrome 1 (MVA1). Also called: Warburton-Anyane-Yeboa syndrome. Identifiers: Orphanet 1052, MedGen C1850343, MONDO:0009759, OMIM 257300.
Premature chromatid separation trait (PCS). Also called: TOTAL PREMATURE CHROMATID SEPARATION TRAIT. Identifiers: MedGen C1864389, MONDO:0008304, OMIM 176430.

Allele frequency attached by ClinVar (database versions not stated): gnomAD exomes 0.00883 and 0.00342; ExAC 0.01086; gnomAD 0.03695 and 0.03418; TOPMed 0.03749; 1000 Genomes Project 0.03654; ESP Exome Variant Server 0.03960; 1000 Genomes Project 30x 0.04201.
gnomAD v4.1: 10,384 of 1,612,070 alleles (0.64%); highest among the groups gnomAD compares: African/African-American, 12%; 558 homozygotes.

Submissions (8):

Labcorp Genetics (formerly Invitae), Labcorp
Classification: Benign for Mosaic variegated aneuploidy syndrome 1. Last evaluated: 2026-02-03. Review status: criteria provided, single submitter. Criteria: Invitae Variant Classification Sherloc (09022015). Collection method: clinical testing. Allele origin: germline.

Dasa
Classification: Benign. Last evaluated: 2025-11-21. Review status: criteria provided, single submitter. Criteria: DASA Assertion Criteria. Collection method: clinical testing. Allele origin: germline.
Comment: NM_001211.6(BUB1B):c.1170G>C (p.Glu390Asp) is interpreted as benign based on a combination of available evidence, including population frequency, observations in unaffected individuals, and in silico models suggesting no deleterious effect. Based on the available data, this variant is classified as benign.

KCCC/NGS Laboratory, Kuwait Cancer Control Center
Classification: Benign for Premature chromatid separation trait. Last evaluated: 2025-02-01. Review status: criteria provided, single submitter. Criteria: ACMG Guidelines, 2015. Collection method: clinical testing. Allele origin: germline. Affected: no.

KCCC/NGS Laboratory, Kuwait Cancer Control Center
Classification: Benign for Colorectal cancer. Last evaluated: 2023-07-07. Review status: criteria provided, single submitter. Criteria: ACMG Guidelines, 2015. Collection method: clinical testing. Allele origin: germline. Affected: yes.

Mayo Clinic Laboratories, Mayo Clinic
Classification: Benign. Last evaluated: 2021-05-06. Review status: criteria provided, single submitter. Criteria: ACMG Guidelines, 2015. Collection method: clinical testing. Allele origin: germline. Observed: 3 variant alleles.

GeneDx
Classification: Benign. Last evaluated: 2019-02-28. Review status: criteria provided, single submitter. Criteria: GeneDx Variant Classification Process June 2021. Collection method: clinical testing. Allele origin: germline. Affected: yes.

Breakthrough Genomics
Classification: Benign. Review status: criteria provided, single submitter. Criteria: ACMG Guidelines, 2015. Collection method: not provided. Allele origin: germline. Inheritance: Autosomal dominant inheritance. Affected: yes.

ITMI
No classification provided. Condition: AllHighlyPenetrant. Last evaluated: 2013-09-19. Review status: no classification provided. Collection method: reference population. Allele origin: germline. Not counted in ClinVar's aggregate classification.
Comment: Please see associated publication for description of ethnicities

Literature cited by the submitters: PubMed 24728327 (cited by ITMI).